The following is an entry in ClinVar:

ClinVar aggregate classification (germline): Uncertain significance (1 of 4 stars; one submission).

Submission:

GeneDx
Classification: Uncertain significance. Last evaluated: 2025-06-11. Review status: criteria provided, single submitter. Criteria: GeneDx Variant Classification Process June 2021. Collection method: clinical testing. Allele origin: germline.
Comment: Not observed at significant frequency in large population cohorts (gnomAD); In silico analysis supports that this missense variant has a deleterious effect on protein structure/function; Has not been previously published as pathogenic or benign to our knowledge

NM_001393769.1(MED12L):c.4841C>G (p.Thr1614Arg)

Genes: MED12L (mediator complex subunit 12L; plus strand), P2RY12 (purinergic receptor P2Y12; minus strand). Cytogenetic location: 3q25.1.
Variant type: single nucleotide variant.
Coding change: c.4841C>G on transcript NM_001393769.1 (MANE Select); coding-DNA position 4841, C replaced by G.
Protein change: p.Thr1614Arg; replaces threonine 1614 with arginine.
Molecular consequence: missense variant. On other transcripts: intron variant (1).
Genome position (GRCh38, 1-based): chr3:151,384,133, C>G. VCF-style: chr3-151384133-C-G. GRCh37 (hg19) VCF-style: chr3-151101921-C-G.
Other names: c.4736C>G, p.Thr1579Arg (NM_053002.6); c.-180+559G>C (NM_022788.5); short protein forms T1579R, T1614R.
Identifiers: ClinVar variation 3769781 (VCV003769781.2).
Genomic context (GRCh38, chr3:151,384,133, plus strand): 5'-TCTTTCTTAGTGAATTATTCACAACAGTTCTTGACATGCTGGGTGTTTTAATCAATGGAA[C>G]GTTAGCCTCTGACCTATCAAATGCATCCCCTGGGGGATCTGAAGAGAACAAGCGTGCATA-3'
Protein context (NP_001380698.1, residues 1604-1624): LDMLGVLING[Thr1614Arg]LASDLSNASP